The following is an entry in ClinVar:

ClinVar aggregate classification (germline): Uncertain significance. Review status: criteria provided, multiple submitters, no conflicts (2 of 4 stars). 13 submissions from 13 submitters: Uncertain significance (9). 4 of the submissions do not count toward it. Last evaluated 2024-09-27.

Conditions:
AGPS-related disorder. Also called: AGPS-related condition.
Inborn genetic diseases. Identifiers: MedGen C0950123, MeSH D030342.
Rhizomelic chondrodysplasia punctata type 3 (RCDP3). Also called: Alkylglycerone Phosphate Synthase (AGPS) deficiency; ALKYLDIHYDROXYACETONEPHOSPHATE SYNTHASE DEFICIENCY. Identifiers: Orphanet 177, Orphanet 309803, MedGen C1838612, MONDO:0010823, OMIM 600121. Disease mechanism: loss of function.

Allele frequency attached by ClinVar (database versions not stated): 1000 Genomes Project 0.00020; TOPMed 0.00027; gnomAD 0.00031 and 0.00032; ExAC 0.00037; 1000 Genomes Project 30x 0.00047.
gnomAD v4.1: 397 of 1,550,226 alleles (0.026%); highest among the groups gnomAD compares: Middle Eastern, 1.1%; no homozygotes.

Submissions (13):

Blueprint Genetics
Classification: Uncertain significance. Last evaluated: 2024-09-27. Review status: criteria provided, single submitter. Criteria: ACMG Guidelines, 2015. Collection method: clinical testing. Allele origin: germline.

ARUP Laboratories, Molecular Genetics and Genomics, ARUP Laboratories
Classification: Uncertain significance for Rhizomelic chondrodysplasia punctata type 3. Last evaluated: 2023-09-11. Review status: criteria provided, single submitter. Criteria: ARUP Molecular Germline Variant Investigation Process 2024. Collection method: clinical testing. Allele origin: germline.
Comment: The AGPS c.214A>G; p.Thr72Ala variant (rs560217758), to our knowledge, is not reported in the medical literature but is reported in ClinVar (Variation ID: 218623). This variant is found in the general population with an overall allele frequency of 0.028% (49/177946 alleles) in the Genome Aggregation Database. The threonine at codon 72 is weakly conserved, and computational analyses are uncertain whether this variant is neutral or deleterious (REVEL: 0.309). Due to limited information, the clinical significance of this variant is uncertain at this time.

Labcorp Genetics (formerly Invitae), Labcorp
Classification: Uncertain significance. Last evaluated: 2022-10-17. Review status: criteria provided, single submitter. Criteria: Invitae Variant Classification Sherloc (09022015). Collection method: clinical testing. Allele origin: germline.
Comment: This sequence change replaces threonine, which is neutral and polar, with alanine, which is neutral and non-polar, at codon 72 of the AGPS protein (p.Thr72Ala). This variant is present in population databases (rs560217758, gnomAD 0.06%). This variant has not been reported in the literature in individuals affected with AGPS-related conditions. ClinVar contains an entry for this variant (Variation ID: 218623). Algorithms developed to predict the effect of missense changes on protein structure and function output the following: SIFT: "Tolerated"; PolyPhen-2: "Benign"; Align-GVGD: "Class C0". The alanine amino acid residue is found in multiple mammalian species, which suggests that this missense change does not adversely affect protein function. In summary, the available evidence is currently insufficient to determine the role of this variant in disease. Therefore, it has been classified as a Variant of Uncertain Significance.

Ambry Genetics
Classification: Uncertain significance for Inborn genetic diseases. Last evaluated: 2022-08-19. Review status: criteria provided, single submitter. Criteria: Ambry Variant Classification Scheme 2023. Collection method: clinical testing. Allele origin: germline.
Comment: The c.214A>G (p.T72A) alteration is located in exon 1 (coding exon 1) of the AGPS gene. This alteration results from a A to G substitution at nucleotide position 214, causing the threonine (T) at amino acid position 72 to be replaced by an alanine (A). Based on data from the Genome Aggregation Database (gnomAD) database, the AGPS c.214A>G alteration was observed in 0.03% (49/177946) of total alleles studied, with a frequency of 0.13% (7/5340) in the Other subpopulation. This amino acid position is well conserved in available vertebrate species. The p.T72A alteration is predicted to be tolerated by in silico analysis. Based on insufficient or conflicting evidence, the clinical significance of this alteration remains unclear.

Fulgent Genetics
Classification: Uncertain significance for Rhizomelic chondrodysplasia punctata type 3. Last evaluated: 2018-10-31. Review status: criteria provided, single submitter. Criteria: ACMG Guidelines, 2015. Collection method: clinical testing. Allele origin: unknown.

Illumina Laboratory Services, Illumina
Classification: Uncertain significance for Rhizomelic chondrodysplasia punctata type 3. Last evaluated: 2018-01-12. Review status: criteria provided, single submitter. Criteria: ICSL Variant Classification Criteria 13 December 2019. Collection method: clinical testing. Allele origin: germline.

Eurofins Ntd Llc (ga)
Classification: Uncertain significance. Last evaluated: 2017-01-11. Review status: criteria provided, single submitter. Criteria: EGL Classification Definitions 2015. Collection method: clinical testing. Allele origin: germline. Observed: 1 variant allele, 1 heterozygote.

Genomic Diagnostic Laboratory, Division of Genomic Diagnostics, Children's Hospital of Philadelphia
Classification: Uncertain significance. Last evaluated: 2015-06-19. Review status: criteria provided, single submitter. Criteria: DGD Variant Analysis Guidelines. Collection method: clinical testing. Allele origin: unknown.

Breakthrough Genomics
Classification: Uncertain significance. Review status: criteria provided, single submitter. Criteria: ACMG Guidelines, 2015. Collection method: not provided. Allele origin: germline. Inheritance: Autosomal recessive inheritance. Affected: yes.

PreventionGenetics, part of Exact Sciences
Classification: Uncertain significance for AGPS-related condition. Last evaluated: 2024-06-27. Review status: no assertion criteria provided. Collection method: clinical testing. Allele origin: germline. Not counted in ClinVar's aggregate classification.
Comment: The AGPS c.214A>G variant is predicted to result in the amino acid substitution p.Thr72Ala. To our knowledge, this variant has not been reported in the literature. This variant is reported in 0.055% of alleles in individuals of Latino descent in gnomAD. At this time, the clinical significance of this variant is uncertain due to the absence of conclusive functional and genetic evidence.

Mayo Clinic Laboratories, Mayo Clinic
Classification: Uncertain significance. Last evaluated: 2017-05-10. Review status: no assertion criteria provided. Collection method: clinical testing. Allele origin: unknown. Not counted in ClinVar's aggregate classification.

Clinical Genetics DNA and cytogenetics Diagnostics Lab, Erasmus MC, Erasmus Medical Center
Classification: Likely benign. Review status: no assertion criteria provided. Collection method: clinical testing. Allele origin: germline. Affected: yes. Study: VKGL Data-share Consensus. Not counted in ClinVar's aggregate classification.

Laboratory of Diagnostic Genome Analysis, Leiden University Medical Center (LUMC)
Classification: Likely benign. Review status: no assertion criteria provided. Collection method: clinical testing. Allele origin: germline. Affected: yes. Study: VKGL Data-share Consensus. Not counted in ClinVar's aggregate classification.

NM_003659.4(AGPS):c.214A>G (p.Thr72Ala)

Gene: AGPS (alkylglycerone phosphate synthase; plus strand). Cytogenetic location: 2q31.2.
Variant type: single nucleotide variant.
Coding change: c.214A>G on transcript NM_003659.4 (MANE Select); coding-DNA position 214, A replaced by G.
Protein change: p.Thr72Ala; replaces threonine 72 with alanine.
Molecular consequence: missense variant.
Genome position (GRCh38, 1-based): chr2:177,393,003, A>G. VCF-style: chr2-177393003-A-G. GRCh37 (hg19) VCF-style: chr2-178257731-A-G.
Other names: short protein forms T72A.
Identifiers: ClinVar variation 218623 (VCV000218623.21), dbSNP rs560217758, ClinGen allele CA249118.